The following is an entry in ClinVar:

NM_000492.4(CFTR):c.406C>T (p.Leu136=)

Gene: CFTR (CF transmembrane conductance regulator; plus strand). Cytogenetic location: 7q31.2.
Variant type: single nucleotide variant.
Coding change: c.406C>T on transcript NM_000492.4 (MANE Select); coding-DNA position 406, C replaced by T.
Protein change: p.Leu136=; no amino-acid change (leucine 136 retained).
Molecular consequence: synonymous variant.
Genome position (GRCh38, 1-based): chr7:117,531,031, C>T. VCF-style: chr7-117531031-C-T. GRCh37 (hg19) VCF-style: chr7-117171085-C-T.
Identifiers: ClinVar variation 455778 (VCV000455778.13), dbSNP rs1351515691, ClinGen allele CA457448683.

ClinVar aggregate classification (germline): Likely benign. Review status: criteria provided, multiple submitters, no conflicts (2 of 4 stars). 3 submissions from 3 submitters: Likely benign (2). 1 of the submissions does not count toward it. Last evaluated 2023-03-18.

Conditions:
CFTR-related disorder (CFTR-RD). Also called: CFTR-related disorders; CFTR-related condition. Identifiers: MedGen C5924204, MONDO:7770004.
Cystic fibrosis (CF). Also called: MUCOVISCIDOSIS. Identifiers: Orphanet 586, MedGen C0010674, MONDO:0009061, OMIM 219700. Disease mechanism: loss of function.

Allele frequency attached by ClinVar (database versions not stated): TOPMed below 0.00001; gnomAD 0.00001.
gnomAD v4.1: 2 of 1,613,684 alleles (0.00012%); highest among the groups gnomAD compares: East Asian, 0.0022%; no homozygotes.

Submissions (3):

Labcorp Genetics (formerly Invitae), Labcorp
Classification: Likely benign for Cystic fibrosis. Last evaluated: 2023-03-18. Review status: criteria provided, single submitter. Criteria: Invitae Variant Classification Sherloc (09022015). Collection method: clinical testing. Allele origin: germline.

Ambry Genetics
Classification: Likely benign for Cystic fibrosis. Last evaluated: 2021-09-18. Review status: criteria provided, single submitter. Criteria: Ambry Variant Classification Scheme 2023. Collection method: clinical testing. Allele origin: germline.

PreventionGenetics, part of Exact Sciences
Classification: Likely benign for CFTR-related condition. Last evaluated: 2024-07-24. Review status: no assertion criteria provided. Collection method: clinical testing. Allele origin: germline. Not counted in ClinVar's aggregate classification.
Comment: This variant is classified as likely benign based on ACMG/AMP sequence variant interpretation guidelines (Richards et al. 2015 PMID: 25741868, with internal and published modifications).